The following is an entry in ClinVar:

NM_000410.4(HFE):c.524G>A (p.Arg175Gln)

Gene: HFE (homeostatic iron regulator; plus strand). Cytogenetic location: 6p22.2.
Variant type: single nucleotide variant.
Coding change: c.524G>A on transcript NM_000410.4 (MANE Select); coding-DNA position 524, G replaced by A.
Protein change: p.Arg175Gln; replaces arginine 175 with glutamine.
Molecular consequence: missense variant. On other transcripts: intron variant (4).
Genome position (GRCh38, 1-based): chr6:26,091,497, G>A. VCF-style: chr6-26091497-G-A. GRCh37 (hg19) VCF-style: chr6-26091725-G-A.
Other names: c.524G>A, p.Arg175Gln (NM_001300749.3, NM_001384164.1, NM_001406751.1 and 1 more transcripts); c.260G>A, p.Arg87Gln (NM_001406752.1, NM_139007.3, NM_139008.3); c.455G>A, p.Arg152Gln (NM_139009.3); c.340+393G>A (NM_139004.3, NM_139003.3); c.77-1188G>A (NM_139010.3); c.77-1622G>A (NM_139011.3); short protein forms R152Q, R175Q, R87Q.
Identifiers: ClinVar variation 3602395 (VCV003602395.1).

ClinVar aggregate classification (germline): Uncertain significance (1 of 4 stars; one submission).

Submission:

GeneDx
Classification: Uncertain significance. Last evaluated: 2024-07-29. Review status: criteria provided, single submitter. Criteria: GeneDx Variant Classification Process June 2021. Collection method: clinical testing. Allele origin: germline. Affected: yes.
Comment: Not observed at significant frequency in large population cohorts (gnomAD); In silico analysis indicates that this missense variant does not alter protein structure/function; Has not been previously published as pathogenic or benign to our knowledge